The following is an entry in ClinVar:

NM_001366145.2(TRPM3):c.1721T>G (p.Ile574Ser)

Gene: TRPM3 (transient receptor potential cation channel subfamily M member 3; minus strand). Cytogenetic location: 9q21.12.
Variant type: single nucleotide variant.
Coding change: c.1721T>G on transcript NM_001366145.2 (MANE Select); coding-DNA position 1721, T replaced by G.
Protein change: p.Ile574Ser; replaces isoleucine 574 with serine.
Molecular consequence: missense variant.
Genome position (GRCh38, 1-based): chr9:70,625,279, A>C on the plus strand (T>G on the coding strand, the complement: TRPM3 is on the minus strand). VCF-style: chr9-70625279-A-C. GRCh37 (hg19) VCF-style: chr9-73240195-A-C.
Other names: c.1685T>G, p.Ile562Ser (NM_001007471.4, NM_001366150.2, NM_001366151.2); c.1691T>G, p.Ile564Ser (NM_001366141.2, NM_001366143.2); c.1727T>G, p.Ile576Ser (NM_001366142.2); c.1721T>G, p.Ile574Ser (NM_001366146.2, NM_001366149.2); c.1796T>G, p.Ile599Ser (NM_001366147.2, NM_001366148.2, NM_001366152.2); c.1262T>G, p.Ile421Ser (NM_001366154.2, NM_024971.7, NM_206945.5); c.1226T>G, p.Ile409Ser (NM_020952.6, NM_206944.5); c.1301T>G, p.Ile434Ser (NM_206946.5, NM_206947.5); short protein forms I409S, I421S, I434S, I562S, I564S, I574S, I576S, I599S.
Identifiers: ClinVar variation 3369440 (VCV003369440.1).

ClinVar aggregate classification (germline): Uncertain significance (1 of 4 stars; one submission).

Submission:

GeneDx
Classification: Uncertain significance. Last evaluated: 2024-02-21. Review status: criteria provided, single submitter. Criteria: GeneDx Variant Classification Process June 2021. Collection method: clinical testing. Allele origin: germline. Affected: yes.
Comment: Not observed at significant frequency in large population cohorts (gnomAD); In silico analysis supports that this missense variant has a deleterious effect on protein structure/function; Has not been previously published as pathogenic or benign to our knowledge